The following is an entry in ClinVar:

NM_015978.3(TNNI3K):c.1599C>A (p.Ser533Arg)

Genes: FPGT-TNNI3K (FPGT-TNNI3K readthrough; plus strand), TNNI3K (TNNI3 interacting kinase; plus strand). Cytogenetic location: 1p31.1.
Variant type: single nucleotide variant.
Coding change: c.1599C>A on transcript NM_015978.3 (MANE Select); coding-DNA position 1599, C replaced by A.
Protein change: p.Ser533Arg; replaces serine 533 with arginine.
Molecular consequence: missense variant.
Genome position (GRCh38, 1-based): chr1:74,369,517, C>A. VCF-style: chr1-74369517-C-A. GRCh37 (hg19) VCF-style: chr1-74835201-C-A.
Other names: c.1902C>A, p.Ser634Arg (NM_001112808.3, NM_001199327.2); short protein forms S533R, S634R.
Identifiers: ClinVar variation 3652676 (VCV003652676.2).

ClinVar aggregate classification (germline): Uncertain significance (1 of 4 stars; one submission).

gnomAD v4.1: 1 of 1,612,646 alleles (0.000062%); highest among the groups gnomAD compares: Non-Finnish European, 0.000085%; no homozygotes.

Submission:

Labcorp Genetics (formerly Invitae), Labcorp
Classification: Uncertain significance. Last evaluated: 2024-05-08. Review status: criteria provided, single submitter. Criteria: Invitae Variant Classification Sherloc (09022015). Collection method: clinical testing. Allele origin: germline.
Comment: This sequence change replaces serine, which is neutral and polar, with arginine, which is basic and polar, at codon 533 of the TNNI3K protein (p.Ser533Arg). This variant is present in population databases (no rsID available, gnomAD 0.007%). This variant has not been reported in the literature in individuals affected with TNNI3K-related conditions. Advanced modeling of protein sequence and biophysical properties (such as structural, functional, and spatial information, amino acid conservation, physicochemical variation, residue mobility, and thermodynamic stability) has been performed at Invitae for this missense variant, however the output from this modeling did not meet the statistical confidence thresholds required to predict the impact of this variant on TNNI3K protein function. In summary, the available evidence is currently insufficient to determine the role of this variant in disease. Therefore, it has been classified as a Variant of Uncertain Significance.